The following is an entry in ClinVar:

ClinVar aggregate classification (germline): Uncertain significance (1 of 4 stars; one submission).

gnomAD v4.1: 2 of 1,613,848 alleles (0.00012%); highest among the groups gnomAD compares: Non-Finnish European, 0.00017%; no homozygotes.

Submission:

Labcorp Genetics (formerly Invitae), Labcorp
Classification: Uncertain significance. Last evaluated: 2021-03-24. Review status: criteria provided, single submitter. Criteria: Invitae Variant Classification Sherloc (09022015). Collection method: clinical testing. Allele origin: germline.
Comment: In summary, the available evidence is currently insufficient to determine the role of this variant in disease. Therefore, it has been classified as a Variant of Uncertain Significance. Algorithms developed to predict the effect of missense changes on protein structure and function (SIFT, PolyPhen-2, Align-GVGD) all suggest that this variant is likely to be tolerated, but these predictions have not been confirmed by published functional studies and their clinical significance is uncertain. This variant has not been reported in the literature in individuals with LTBP2-related conditions. This variant is not present in population databases (ExAC no frequency). This sequence change replaces arginine with glycine at codon 548 of the LTBP2 protein (p.Arg548Gly). The arginine residue is moderately conserved and there is a moderate physicochemical difference between arginine and glycine.

NM_000428.3(LTBP2):c.1642C>G (p.Arg548Gly)

Gene: LTBP2 (latent transforming growth factor beta binding protein 2; minus strand). Cytogenetic location: 14q24.3.
Variant type: single nucleotide variant.
Coding change: c.1642C>G on transcript NM_000428.3 (MANE Select); coding-DNA position 1642, C replaced by G.
Protein change: p.Arg548Gly; replaces arginine 548 with glycine.
Molecular consequence: missense variant.
Genome position (GRCh38, 1-based): chr14:74,551,108, G>C on the plus strand (C>G on the coding strand, the complement: LTBP2 is on the minus strand). VCF-style: chr14-74551108-G-C. GRCh37 (hg19) VCF-style: chr14-75017811-G-C.
Other names: short protein forms R548G.
Identifiers: ClinVar variation 1468023 (VCV001468023.8), dbSNP rs137854855, ClinGen allele CA263606214.